The following is an entry in ClinVar:

NM_201548.5(CERKL):c.1008dup (p.Tyr337fs)

Gene: CERKL (CERK like autophagy regulator; minus strand). Cytogenetic location: 2q31.3.
Variant type: Duplication.
Coding change: c.1008dup on transcript NM_201548.5 (MANE Select); coding-DNA position 1008, one base duplicated (A; older notation c.1008dupA).
Protein change: p.Tyr337fs; shifts the reading frame from tyrosine 337.
Molecular consequence: frameshift variant. On other transcripts: non-coding transcript variant (2).
Genome position (GRCh38, 1-based): chr2:181,548,745, T duplicated on the plus strand (A on the coding strand, the reverse complement: CERKL is on the minus strand); the first of 5 consecutive T bases (chr2:181,548,745-181,548,749); duplicating any one gives the same sequence. VCF-style (leftmost placement, unchanged base first): chr2-181548744-A-AT. GRCh37 (hg19) VCF-style: chr2-182413471-A-AT.
Other names: c.1086dup, p.Tyr363fs (NM_001030311.3); c.669dup, p.Tyr224fs (NM_001030312.3); c.801dup, p.Tyr268fs (NM_001030313.3); c.954dup, p.Tyr319fs (NM_001160277.2); short protein forms Y224fs, Y268fs, Y319fs, Y337fs, Y363fs.
Identifiers: ClinVar variation 3382501 (VCV003382501.2).
Genomic context (GRCh38, chr2:181,548,744, plus strand): 5'-GTTTTGCCAGTGCCTTAACAACAGCAAAATCTCTCCGTTGGTTAGGGGACATCCATCGAT[A>AT]TTTTTCTGCCAGAGCCAAAGTTCTTCCACCAAAGCCAAACATGGCTGAGAACCCAAAGCG-3'

ClinVar aggregate classification (germline): Likely pathogenic (1 of 4 stars; one submission).

Conditions:
Retinitis pigmentosa 26 (RP26). Identifiers: Orphanet 791, MedGen C1842127, MONDO:0012024, OMIM 608380.

Submission:

Juno Genomics, Hangzhou Juno Genomics, Inc
Classification: Likely pathogenic for Retinitis pigmentosa 26. Review status: criteria provided, single submitter. Criteria: ACMG Guidelines, 2015. Collection method: clinical testing. Allele origin: germline. Affected: yes.
Comment: Absent from controls (or at extremely low frequency if recessive) in Genome Aggregation Database, Exome Sequencing Project, 1000 Genomes Project, or Exome Aggregation Consortium.;Null variant in a gene where loss of function (LOF) is a known mechanism of disease.